The following is an entry in ClinVar:

NM_006949.4(STXBP2):c.1191G>A (p.Ala397=)

Gene: STXBP2 (syntaxin binding protein 2; plus strand). Cytogenetic location: 19p13.2.
Variant type: single nucleotide variant.
Coding change: c.1191G>A on transcript NM_006949.4 (MANE Select); coding-DNA position 1191, G replaced by A.
Protein change: p.Ala397=; no amino-acid change (alanine 397 retained).
Molecular consequence: synonymous variant. On other transcripts: non-coding transcript variant (1).
Genome position (GRCh38, 1-based): chr19:7,644,697, G>A. VCF-style: chr19-7644697-G-A. GRCh37 (hg19) VCF-style: chr19-7709583-G-A.
Other names: p.Ala397=; c.1182G>A, p.Ala394= (NM_001127396.3); c.1224G>A, p.Ala408= (NM_001272034.2).
Identifiers: ClinVar variation 260085 (VCV000260085.24), dbSNP rs76836497, ClinGen allele CA9144022.

ClinVar aggregate classification (germline): Benign/Likely benign. Review status: criteria provided, multiple submitters, no conflicts (2 of 4 stars). 7 submissions from 7 submitters: Benign (3); Likely benign (4). Last evaluated 2026-02-03.

Conditions:
Familial hemophagocytic lymphohistiocytosis 5. Also called: STXBP2-Related Familial Hemophagocytic Lymphohistiocytosis (STXBP2-fHLH). Identifiers: Orphanet 540, MedGen C2751293, MONDO:0013135, OMIM 613101.
Autoinflammatory syndrome. Identifiers: Orphanet 93665, MedGen C3890737, MONDO:0019751.

Allele frequency attached by ClinVar (database versions not stated): gnomAD exomes 0.00062 and 0.00158; ExAC 0.00193; gnomAD 0.00648 and 0.00700; 1000 Genomes Project 0.00659; ESP Exome Variant Server 0.00692; 1000 Genomes Project 30x 0.00703; TOPMed 0.00737.
gnomAD v4.1: 1,929 of 1,613,796 alleles (0.12%); highest among the groups gnomAD compares: African/African-American, 2.3%; 24 homozygotes.

Submissions (7):

Labcorp Genetics (formerly Invitae), Labcorp
Classification: Benign for Familial hemophagocytic lymphohistiocytosis 5. Last evaluated: 2026-02-03. Review status: criteria provided, single submitter. Criteria: Invitae Variant Classification Sherloc (09022015). Collection method: clinical testing. Allele origin: germline.

Mayo Clinic Laboratories, Mayo Clinic
Classification: Benign. Last evaluated: 2024-10-04. Review status: criteria provided, single submitter. Criteria: ACMG Guidelines, 2015. Collection method: clinical testing. Allele origin: germline. Observed: 7 variant alleles.
Comment: BS1, BS2, BP4, BP7

Genetic Services Laboratory, University of Chicago
Classification: Benign. Last evaluated: 2020-10-01. Review status: criteria provided, single submitter. Criteria: ACMG Guidelines, 2015. Collection method: clinical testing. Allele origin: germline. Affected: no.

Genome Diagnostics Laboratory, The Hospital for Sick Children
Classification: Likely benign for Autoinflammatory syndrome. Last evaluated: 2019-12-01. Review status: criteria provided, single submitter. Criteria: ACMG Guidelines, 2015. Collection method: clinical testing. Allele origin: germline. Affected: yes.

Illumina Laboratory Services, Illumina
Classification: Likely benign for Familial hemophagocytic lymphohistiocytosis 5. Last evaluated: 2018-01-13. Review status: criteria provided, single submitter. Criteria: ICSL Variant Classification Criteria 13 December 2019. Collection method: clinical testing. Allele origin: germline.
Comment: This variant was observed in the ICSL laboratory as part of a predisposition screen in an ostensibly healthy population. It had not been previously curated by ICSL or reported in the Human Gene Mutation Database (HGMD: prior to June 1st, 2018), and was therefore a candidate for classification through an automated scoring system. Utilizing variant allele frequency, disease prevalence and penetrance estimates, and inheritance mode, an automated score was calculated to assess if this variant is too frequent to cause the disease. Based on the score and internal cut-off values, a variant classified as likely benign is not then subjected to further curation. The score for this variant resulted in a classification of likely benign for this disease.

Breakthrough Genomics
Classification: Likely benign. Review status: criteria provided, single submitter. Criteria: ACMG Guidelines, 2015. Collection method: not provided. Allele origin: germline. Inheritance: Autosomal recessive inheritance. Affected: yes.

PreventionGenetics, part of Exact Sciences
Classification: Likely benign. Review status: criteria provided, single submitter. Criteria: ACMG Guidelines, 2015. Collection method: clinical testing. Allele origin: germline.